The following is an entry in ClinVar:

ClinVar aggregate classification (germline): Uncertain significance (1 of 4 stars; one submission).

Submission:

Labcorp Genetics (formerly Invitae), Labcorp
Classification: Uncertain significance. Last evaluated: 2025-10-23. Review status: criteria provided, single submitter. Criteria: Invitae Variant Classification Sherloc (09022015). Collection method: clinical testing. Allele origin: germline.
Comment: This sequence change replaces leucine, which is neutral and non-polar, with isoleucine, which is neutral and non-polar, at codon 1404 of the KMT2E protein (p.Leu1404Ile). This variant is not present in population databases (gnomAD no frequency). This variant has not been reported in the literature in individuals affected with KMT2E-related conditions. Invitae Evidence Modeling of protein sequence and biophysical properties (such as structural, functional, and spatial information, amino acid conservation, physicochemical variation, residue mobility, and thermodynamic stability) indicates that this missense variant is not expected to disrupt KMT2E protein function with a negative predictive value of 80%. In summary, the available evidence is currently insufficient to determine the role of this variant in disease. Therefore, it has been classified as a Variant of Uncertain Significance.

NM_182931.3(KMT2E):c.4210C>A (p.Leu1404Ile)

Gene: KMT2E (lysine methyltransferase 2E (inactive); plus strand). Cytogenetic location: 7q22.3.
Variant type: single nucleotide variant.
Coding change: c.4210C>A on transcript NM_182931.3 (MANE Select); coding-DNA position 4210, C replaced by A.
Protein change: p.Leu1404Ile; replaces leucine 1404 with isoleucine.
Molecular consequence: missense variant.
Genome position (GRCh38, 1-based): chr7:105,111,966, C>A. VCF-style: chr7-105111966-C-A. GRCh37 (hg19) VCF-style: chr7-104752413-C-A.
Other names: c.4084C>A, p.Leu1362Ile (NM_001410908.1); c.4210C>A, p.Leu1404Ile (NM_018682.4); short protein forms L1404I, L1362I.
Identifiers: ClinVar variation 4779437 (VCV004779437.1).